The following is an entry in ClinVar:

ClinVar aggregate classification (germline): Uncertain significance (1 of 4 stars; one submission).

Conditions:
Dyskeratosis congenita, autosomal dominant 6 (DKCA6). Identifiers: Orphanet 3322, MedGen C4225284, MONDO:0014690, OMIM 616553.

Submission:

Labcorp Genetics (formerly Invitae), Labcorp
Classification: Uncertain significance for Dyskeratosis congenita, autosomal dominant 6. Last evaluated: 2024-08-09. Review status: criteria provided, single submitter. Criteria: Invitae Variant Classification Sherloc (09022015). Collection method: clinical testing. Allele origin: germline.
Comment: This sequence change falls in intron 7 of the ACD gene. It does not directly change the encoded amino acid sequence of the ACD protein. It affects a nucleotide within the consensus splice site. This variant is not present in population databases (gnomAD no frequency). This variant has not been reported in the literature in individuals affected with ACD-related conditions. Variants that disrupt the consensus splice site are a relatively common cause of aberrant splicing (PMID: 17576681, 9536098). Algorithms developed to predict the effect of sequence changes on RNA splicing suggest that this variant may disrupt the consensus splice site. In summary, the available evidence is currently insufficient to determine the role of this variant in disease. Therefore, it has been classified as a Variant of Uncertain Significance.

Literature cited by the submitters: PubMed 17576681; PubMed 9536098.

NM_001082486.2(ACD):c.645+4A>C

Gene: ACD (ACD shelterin complex subunit and telomerase recruitment factor; minus strand). Cytogenetic location: 16q22.1.
Variant type: single nucleotide variant.
Coding change: c.645+4A>C on transcript NM_001082486.2 (MANE Select); 4 bases into the intron after coding-DNA position 645, A replaced by C.
Molecular consequence: intron variant.
Genome position (GRCh38, 1-based): chr16:67,658,924, T>G on the plus strand (A>C on the coding strand, the complement: ACD is on the minus strand). VCF-style: chr16-67658924-T-G. GRCh37 (hg19) VCF-style: chr16-67692827-T-G.
Other names: c.636+4A>C (NM_022914.3); c.645+4A>C (NM_001410884.1).
Identifiers: ClinVar variation 3656488 (VCV003656488.2).